The following is an entry in ClinVar:

NM_003119.4(SPG7):c.1150+19_1150+31del

Gene: SPG7 (SPG7 matrix AAA peptidase subunit, paraplegin; plus strand). Cytogenetic location: 16q24.3.
Variant type: Deletion.
Coding change: c.1150+19_1150+31del on transcript NM_003119.4 (MANE Select); bases 19 to 31 of the intron after coding-DNA position 1150, 13 bases deleted (GGCTGTGGGTGGG).
Molecular consequence: intron variant.
Genome position (GRCh38, 1-based): chr16:89,532,085-89,532,097, GGCTGTGGGTGGG deleted; deleting any 13 consecutive bases within chr16:89,532,081-89,532,097 gives the same sequence; the c. name uses the placement nearest the transcript's 3' end. VCF-style (leftmost placement, unchanged base first): chr16-89532080-TTGGGGGCTGTGGG-T. GRCh37 (hg19) VCF-style: chr16-89598488-TTGGGGGCTGTGGG-T.
Other names: c.1150+19_1150+31del (NM_001363850.1, NM_199367.3); c.1150+19_1150+31delGGCTGTGGGTGGG (NM_003119.2).
Identifiers: ClinVar variation 513168 (VCV000513168.2), dbSNP rs1379023827, ClinGen allele CA624453059.

ClinVar aggregate classification (germline): Likely benign. Review status: criteria provided, multiple submitters, no conflicts (2 of 4 stars). 2 submissions from 2 submitters: Likely benign (2). Last evaluated 2024-03-19.

Submissions (2):

Blueprint Genetics
Classification: Likely benign. Last evaluated: 2024-03-19. Review status: criteria provided, single submitter. Criteria: ACMG Guidelines, 2015. Collection method: clinical testing. Allele origin: germline.

GeneDx
Classification: Likely benign. Last evaluated: 2017-12-01. Review status: criteria provided, single submitter. Criteria: GeneDx Variant Classification (06012015). Collection method: clinical testing. Allele origin: germline. Affected: yes.
Comment: This variant is considered likely benign or benign based on one or more of the following criteria: it is a conservative change, it occurs at a poorly conserved position in the protein, it is predicted to be benign by multiple in silico algorithms, and/or has population frequency not consistent with disease.